The following is an entry in ClinVar:

NM_018116.4(MSTO1):c.1442T>G (p.Leu481Arg)

Gene: MSTO1 (misato mitochondrial distribution and morphology regulator 1; plus strand). Cytogenetic location: 1q22.
Variant type: single nucleotide variant.
Coding change: c.1442T>G on transcript NM_018116.4 (MANE Select); coding-DNA position 1442, T replaced by G.
Protein change: p.Leu481Arg; replaces leucine 481 with arginine.
Molecular consequence: missense variant. On other transcripts: synonymous variant (3), non-coding transcript variant (6).
Genome position (GRCh38, 1-based): chr1:155,613,710, T>G. VCF-style: chr1-155613710-T-G. GRCh37 (hg19) VCF-style: chr1-155583501-T-G.
Other names: c.1442T>G, p.Leu481Arg (NM_001256532.1, NM_001256533.1, NM_001350772.1 and 1 more transcripts); c.1479T>G, p.Pro493= (NM_001350773.1, NM_001350774.1); c.1277T>G, p.Leu426Arg (NM_001350776.1); c.911T>G, p.Leu304Arg (NM_001350777.1, NM_001350778.1, NM_001350779.1); c.908T>G, p.Leu303Arg (NM_001350780.1, NM_001350781.1, NM_001350782.1 and 2 more transcripts); c.899T>G, p.Leu300Arg (NM_001350784.1, NM_001350785.1, NM_001350787.1 and 1 more transcripts); c.945T>G, p.Pro315= (NM_001350786.1); short protein forms L300R, L303R, L304R, L426R, L481R.
Identifiers: ClinVar variation 1311103 (VCV001311103.2), dbSNP rs2148997253, ClinGen allele CA342760367.

ClinVar aggregate classification (germline): Uncertain significance (1 of 4 stars; one submission).

Submission:

GeneDx
Classification: Uncertain significance. Last evaluated: 2019-12-16. Review status: criteria provided, single submitter. Criteria: GeneDx Variant Classification Process June 2021. Collection method: clinical testing. Allele origin: germline. Affected: yes.
Comment: Not observed in large population cohorts (Lek et al., 2016); In silico analysis, which includes protein predictors and evolutionary conservation, supports a deleterious effect; Has not been previously published as pathogenic or benign to our knowledge